The following is an entry in ClinVar:

NM_000834.5(GRIN2B):c.2637G>C (p.Glu879Asp)

Gene: GRIN2B (glutamate ionotropic receptor NMDA type subunit 2B; minus strand). Cytogenetic location: 12p13.1.
Variant type: single nucleotide variant.
Coding change: c.2637G>C on transcript NM_000834.5 (MANE Select); coding-DNA position 2637, G replaced by C.
Protein change: p.Glu879Asp; replaces glutamic acid 879 with aspartic acid.
Molecular consequence: missense variant.
Genome position (GRCh38, 1-based): chr12:13,564,601, C>G on the plus strand (G>C on the coding strand, the complement: GRIN2B is on the minus strand). VCF-style: chr12-13564601-C-G. GRCh37 (hg19) VCF-style: chr12-13717535-C-G.
Other names: c.2637G>C, p.Glu879Asp (NM_001413992.1); short protein forms E879D.
Identifiers: ClinVar variation 4840236 (VCV004840236.1).
Genomic context (GRCh38, chr12:13,564,601, plus strand): 5'-CAGGATGTTGGAGTGTGTGTTGTTCATGGTTGCGGTGGGGGAGTTCATTACAGACTGGCG[C>G]TCCTCGATCGCCACCCCATGGATGCAGCTGTAGATACCCTGAAGCAAGAATGGAGGGACA-3'
Protein context (NP_000825.2, residues 869-889): YSCIHGVAIE[Glu879Asp]RQSVMNSPTA

ClinVar aggregate classification (germline): Uncertain significance (1 of 4 stars; one submission).

Conditions:
Inborn genetic diseases. Identifiers: MedGen C0950123, MeSH D030342.

gnomAD v4.1: 1 of 1,613,870 alleles (0.000062%); highest among the groups gnomAD compares: Non-Finnish European, 0.000085%; no homozygotes.

Submission:

Ambry Genetics
Classification: Uncertain significance for Inborn genetic diseases. Last evaluated: 2026-02-23. Review status: criteria provided, single submitter. Criteria: Ambry Variant Classification Scheme 2023. Collection method: clinical testing. Allele origin: germline.
Comment: The c.2637G>C (p.E879D) alteration is located in exon 13 (coding exon 12) of the GRIN2B gene. This alteration results from a G to C substitution at nucleotide position 2637, causing the glutamic acid (E) at amino acid position 879 to be replaced by an aspartic acid (D). Based on data from gnomAD, the C allele has an overall frequency of <0.001% (1/249902) total alleles studied. The highest observed frequency was 0.001% (1/112684) of European (non-Finnish) alleles. Based on insufficient or conflicting evidence, the clinical significance of this alteration remains unclear.